The following is an entry in ClinVar:

NM_005909.5(MAP1B):c.803G>A (p.Gly268Glu)

Gene: MAP1B (microtubule associated protein 1B; plus strand). Cytogenetic location: 5q13.2.
Variant type: single nucleotide variant.
Coding change: c.803G>A on transcript NM_005909.5 (MANE Select); coding-DNA position 803, G replaced by A.
Protein change: p.Gly268Glu; replaces glycine 268 with glutamic acid.
Molecular consequence: missense variant.
Genome position (GRCh38, 1-based): chr5:72,194,158, G>A. VCF-style: chr5-72194158-G-A. GRCh37 (hg19) VCF-style: chr5-71489985-G-A.
Other names: c.425G>A, p.Gly142Glu (NM_001324255.2); c.803G>A (NM_005909.4); short protein forms G142E, G268E.
Identifiers: ClinVar variation 3362771 (VCV003362771.3).

ClinVar aggregate classification (germline): Uncertain significance. Review status: criteria provided, multiple submitters, no conflicts (2 of 4 stars). 3 submissions from 3 submitters: Uncertain significance (2). 1 of the submissions does not count toward it. Last evaluated 2026-01-08.

Conditions:
MAP1B-related disorder. Also called: MAP1B-related condition.
Hearing loss, autosomal dominant 83. Also called: Deafness, autosomal dominant 83. Identifiers: MedGen C5676951, MONDO:0030723, OMIM 619808.
Periventricular nodular heterotopia 9. Identifiers: MedGen C5394503, MONDO:0030061, OMIM 618918.

Submissions (3):

PreventionGenetics, part of Exact Sciences
Classification: Uncertain significance for MAP1B-related condition. Last evaluated: 2026-01-08. Review status: criteria provided, single submitter. Criteria: ACMG Guidelines, 2015. Collection method: clinical testing. Allele origin: germline.
Comment: The MAP1B c.803G>A variant is predicted to result in the amino acid substitution p.Gly268Glu. This variant has been reported in the homozygous state in an individual with congenital microcephaly, dysmorphic facial features, anemia, lymphocytic colitis, and retinal coloboma (Tables S1 and S2 in Shaheen et al. 2019. PubMed ID: 30214071). This variant is reported in 0.0018% of alleles in individuals of European (Non-Finnish) descent in gnomAD. At this time, the clinical significance of this variant is uncertain due to the absence of conclusive functional and genetic evidence.

Genomic Medicine Center of Excellence, King Faisal Specialist Hospital and Research Centre
Classification: Uncertain significance for Hearing loss, autosomal dominant 83. Last evaluated: 2024-09-22. Review status: criteria provided, single submitter. Criteria: ACMG Guidelines, 2015. Collection method: clinical testing. Allele origin: germline.

Clinical Genetics Laboratory, University Hospital Schleswig-Holstein
Classification: Uncertain significance for Periventricular nodular heterotopia 9. Last evaluated: 2023-09-26. Review status: no assertion criteria provided. Collection method: clinical testing. Allele origin: germline. Affected: yes. Not counted in ClinVar's aggregate classification.